The following is an entry in ClinVar:

NM_000465.4(BARD1):c.1373A>C (p.Asp458Ala)

Gene: BARD1 (BRCA1 associated RING domain 1; minus strand). Cytogenetic location: 2q35.
Variant type: single nucleotide variant.
Coding change: c.1373A>C on transcript NM_000465.4 (MANE Select); coding-DNA position 1373, A replaced by C.
Protein change: p.Asp458Ala; replaces aspartic acid 458 with alanine.
Molecular consequence: missense variant. On other transcripts: non-coding transcript variant (3), intron variant (3).
Genome position (GRCh38, 1-based): chr2:214,769,254, T>G on the plus strand (A>C on the coding strand, the complement: BARD1 is on the minus strand). VCF-style: chr2-214769254-T-G. GRCh37 (hg19) VCF-style: chr2-215633978-T-G.
Other names: c.1316A>C, p.Asp439Ala (NM_001282543.2); c.159-16699A>C (NM_001282548.2); c.216-16699A>C (NM_001282545.2); c.364+23043A>C (NM_001282549.2); short protein forms D439A, D458A.
Identifiers: ClinVar variation 4757880 (VCV004757880.1).

ClinVar aggregate classification (germline): Uncertain significance (1 of 4 stars; one submission).

Conditions:
Hereditary cancer-predisposing syndrome. Also called: Tumor predisposition; Hereditary Cancer Syndrome; Neoplastic Syndromes, Hereditary; Hereditary neoplastic syndrome. Identifiers: Orphanet 140162, MedGen C0027672, MeSH D009386, MONDO:0015356.

gnomAD v4.1: 2 of 1,613,512 alleles (0.00012%); highest among the groups gnomAD compares: Non-Finnish European, 0.00017%; no homozygotes.

Submission:

Color Diagnostics, LLC DBA Color Health
Classification: Uncertain significance for Hereditary cancer-predisposing syndrome. Last evaluated: 2025-08-25. Review status: criteria provided, single submitter. Criteria: ACMG Guidelines, 2015. Collection method: clinical testing. Allele origin: germline.
Comment: This missense variant replaces aspartic acid with alanine at codon 458 of the BARD1 protein. Computational prediction suggests that this variant may have deleterious impact on protein structure and function. To our knowledge, functional studies have not been reported for this variant. This variant has not been reported in individuals affected with BARD1-related disorders in the literature. This variant has not been identified in the general population by the Genome Aggregation Database (gnomAD). The available evidence is insufficient to determine the role of this variant in disease conclusively. Therefore, this variant is classified as a Variant of Uncertain Significance.